The following is an entry in ClinVar:

NM_022042.4(SLC26A1):c.1507G>A (p.Gly503Ser)

Genes: IDUA (alpha-L-iduronidase; plus strand), SLC26A1 (solute carrier family 26 member 1; minus strand). Cytogenetic location: 4p16.3.
Variant type: single nucleotide variant.
Coding change: c.1507G>A on transcript NM_022042.4 (MANE Select); coding-DNA position 1507, G replaced by A.
Protein change: p.Gly503Ser; replaces glycine 503 with serine.
Molecular consequence: missense variant. On other transcripts: intron variant (2).
Genome position (GRCh38, 1-based): chr4:989,432, C>T on the plus strand (G>A on the coding strand, the complement: SLC26A1 is on the minus strand). VCF-style: chr4-989432-C-T. GRCh37 (hg19) VCF-style: chr4-983220-C-T.
Other names: c.1507G>A, p.Gly503Ser (NM_213613.4); c.576+1696G>A (NM_134425.4); c.299+1483C>T (NM_000203.5); c.1507G>A (NM_022042.3); short protein forms G503S.
Identifiers: ClinVar variation 2510713 (VCV002510713.6), dbSNP rs763786159, ClinGen allele CA2801366.

ClinVar aggregate classification (germline): Uncertain significance. Review status: criteria provided, multiple submitters, no conflicts (2 of 4 stars). 4 submissions from 4 submitters: Uncertain significance (4). Last evaluated 2025-01-12.

Conditions:
Inborn genetic diseases. Identifiers: MedGen C0950123, MeSH D030342.
Nephrolithiasis susceptibility caused by SLC26A1 (CAON1). Also called: NEPHROLITHIASIS, CALCIUM OXALATE, 1. Identifiers: MedGen C5779632, MONDO:0020722, OMIM 167030.
Hypersulfaturia (HYSULF). Identifiers: MedGen C5830511, MONDO:0957268, OMIM 620372.
SLC26A1-related disorder. Also called: SLC26A1-related condition.

Allele frequency attached by ClinVar (database versions not stated): gnomAD 0.00002; ExAC 0.00006; TOPMed 0.00009.
gnomAD v4.1: 67 of 1,554,642 alleles (0.0043%); highest among the groups gnomAD compares: Middle Eastern, 0.05%; no homozygotes.

Submissions (4):

PreventionGenetics, part of Exact Sciences
Classification: Uncertain significance for SLC26A1-related condition. Last evaluated: 2025-01-12. Review status: criteria provided, single submitter. Criteria: ACMG Guidelines, 2015. Collection method: clinical testing. Allele origin: germline.
Comment: The SLC26A1 c.1507G>A variant is predicted to result in the amino acid substitution p.Gly503Ser. To our knowledge, this variant has not been reported in the literature. This variant is reported in 0.012% of alleles in individuals of African descent in gnomAD. At this time, the clinical significance of this variant is uncertain due to the absence of conclusive functional and genetic evidence.

Labcorp Genetics (formerly Invitae), Labcorp
Classification: Uncertain significance. Last evaluated: 2024-09-27. Review status: criteria provided, single submitter. Criteria: Invitae Variant Classification Sherloc (09022015). Collection method: clinical testing. Allele origin: germline.
Comment: This sequence change replaces glycine, which is neutral and non-polar, with serine, which is neutral and polar, at codon 503 of the SLC26A1 protein (p.Gly503Ser). This variant is present in population databases (rs763786159, gnomAD 0.01%). This variant has not been reported in the literature in individuals affected with SLC26A1-related conditions. ClinVar contains an entry for this variant (Variation ID: 2510713). Invitae Evidence Modeling of protein sequence and biophysical properties (such as structural, functional, and spatial information, amino acid conservation, physicochemical variation, residue mobility, and thermodynamic stability) indicates that this missense variant is not expected to disrupt SLC26A1 protein function with a negative predictive value of 80%. In summary, the available evidence is currently insufficient to determine the role of this variant in disease. Therefore, it has been classified as a Variant of Uncertain Significance.

Fulgent Genetics
Classification: Uncertain significance for Nephrolithiasis susceptibility caused by SLC26A1; Hypersulfaturia. Last evaluated: 2024-05-29. Review status: criteria provided, single submitter. Criteria: ACMG Guidelines, 2015. Collection method: clinical testing. Allele origin: germline.

Ambry Genetics
Classification: Uncertain significance for Inborn genetic diseases. Last evaluated: 2023-05-24. Review status: criteria provided, single submitter. Criteria: Ambry Variant Classification Scheme 2023. Collection method: clinical testing. Allele origin: germline.